The following is an entry in ClinVar:

ClinVar aggregate classification (germline): Pathogenic/Likely pathogenic. Review status: criteria provided, multiple submitters, no conflicts (2 of 4 stars). 4 submissions from 4 submitters: Pathogenic (2); Likely pathogenic (2). Last evaluated 2024-10-29.

Conditions:
Lynch syndrome. Identifiers: Orphanet 144, MedGen C4552100, MONDO:0005835. Disease mechanism: loss of function.
Hereditary cancer-predisposing syndrome. Also called: Neoplastic Syndromes, Hereditary; Tumor predisposition; Hereditary Cancer Syndrome; Hereditary neoplastic syndrome. Identifiers: Orphanet 140162, MedGen C0027672, MeSH D009386, MONDO:0015356.
Lynch syndrome 5 (LYNCH5). Also called: Hereditary non-polyposis colorectal cancer, type 5; Colorectal cancer, hereditary nonpolyposis, type 5. Identifiers: Orphanet 144, MedGen C1833477, MONDO:0013710, OMIM 614350. Disease mechanism: loss of function.

Submissions (4):

Ambry Genetics
Classification: Pathogenic for Hereditary cancer-predisposing syndrome. Last evaluated: 2024-10-29. Review status: criteria provided, single submitter. Criteria: Ambry Variant Classification Scheme 2023. Collection method: clinical testing. Allele origin: germline.
Comment: The c.3556+2T>G intronic pathogenic mutation results from a T to G substitution two nucleotides after coding exon 6 in the MSH6 gene. Additionally, RNA studies have demonstrated that this alteration results in abnormal splicing in the set of samples tested (Ambry internal data). This variant is considered to be rare based on population cohorts in the Genome Aggregation Database (gnomAD). This nucleotide position is highly conserved in available vertebrate species. In silico splice site analysis predicts that this alteration will weaken the native splice donor site. In addition to the clinical data from our internal cohort, alterations that disrupt the canonical splice site are expected to cause aberrant splicing, resulting in an abnormal protein or a transcript that is subject to nonsense-mediated mRNA decay. As such, this alteration is classified as a disease-causing mutation.

Myriad Genetics, Inc.
Classification: Likely pathogenic for Lynch syndrome 5. Last evaluated: 2023-08-24. Review status: criteria provided, single submitter. Criteria: Myriad Autosomal Dominant, Autosomal Recessive and X-Linked Classification Criteria (2023). Collection method: clinical testing. Allele origin: unknown.
Comment: This variant is considered likely pathogenic. This variant occurs within a consensus splice junction and is predicted to result in abnormal mRNA splicing of either an out-of-frame exon or an in-frame exon necessary for protein stability and/or normal function.

Clinical Genetics Laboratory, Skane University Hospital Lund
Classification: Pathogenic. Last evaluated: 2023-03-21. Review status: criteria provided, single submitter. Criteria: ACMG Guidelines, 2015. Collection method: clinical testing. Allele origin: germline. Affected: yes.

Laboratory for Molecular Medicine, Mass General Brigham Personalized Medicine
Classification: Likely pathogenic for Lynch syndrome. Last evaluated: 2020-05-13. Review status: criteria provided, single submitter. Criteria: ACMG Guidelines, 2015. Collection method: clinical testing. Allele origin: germline.
Comment: The c.3556+2T>G variant in MSH6 has not been previously reported in individuals with Lynch syndrome and was absent from large population studies. This variant occurs within the canonical splice site (+/- 1,2) and is predicted to cause altered splicing leading to an abnormal or absent protein. Heterozygous loss-of-function of the MSH6 gene is an established disease mechanism in individuals with Lynch syndrome. In summary, this variant meets criteria to be classified as likely pathogenic for autosomal dominant Lynch syndrome based upon predicted impact to the protein and absence in controls. ACMG/AMP criteria applied: PVS1, PM2.

NM_000179.3(MSH6):c.3556+2T>G

Gene: MSH6 (mutS homolog 6; plus strand). Cytogenetic location: 2p16.3.
Variant type: single nucleotide variant.
Coding change: c.3556+2T>G on transcript NM_000179.3 (MANE Select); the canonical splice donor site of the intron after coding-DNA position 3556, T replaced by G.
Molecular consequence: splice donor variant.
Genome position (GRCh38, 1-based): chr2:47,805,029, T>G. VCF-style: chr2-47805029-T-G. GRCh37 (hg19) VCF-style: chr2-48032168-T-G.
Other names: c.3556+2T>G (NM_001406809.1, NM_001406796.1, NM_001406808.1 and 1 more transcripts); c.2650+2T>G (NM_001406811.1, NM_001406814.1, NM_001281493.2 and 6 more transcripts); c.3259+2T>G (NM_001406805.1, NM_001406797.1, NM_001406801.1 and 10 more transcripts); c.3652+2T>G (NM_001406795.1, NM_001406802.1); c.3562+2T>G (NM_001406813.1); c.3031+2T>G (NM_001406807.1, NM_001406799.1, NM_001406806.1); c.3382+2T>G (NM_001406798.1); c.2692+2T>G (NM_001406803.1); and 7 more.
Identifiers: ClinVar variation 1732628 (VCV001732628.6), dbSNP rs1669882321, ClinGen allele CA346760284.